The following is an entry in ClinVar:

ClinVar aggregate classification (germline): Uncertain significance. Review status: criteria provided, multiple submitters, no conflicts (2 of 4 stars). 2 submissions from 2 submitters: Uncertain significance (2). Last evaluated 2025-03-06.

Conditions:
Inborn genetic diseases. Identifiers: MedGen C0950123, MeSH D030342.
Baller-Gerold syndrome (BGS). Also called: CRANIOSYNOSTOSIS WITH RADIAL DEFECTS. Identifiers: Orphanet 1225, MedGen C0265308, MONDO:0009039, OMIM 218600.

Allele frequency attached by ClinVar (database versions not stated): gnomAD exomes below 0.00001; gnomAD 0.00001; TOPMed 0.00001.

Submissions (2):

Ambry Genetics
Classification: Uncertain significance for Inborn genetic diseases. Last evaluated: 2025-03-06. Review status: criteria provided, single submitter. Criteria: Ambry Variant Classification Scheme 2023. Collection method: clinical testing. Allele origin: germline.
Comment: The p.L688P variant (also known as c.2063T>C), located in coding exon 13 of the RECQL4 gene, results from a T to C substitution at nucleotide position 2063. The leucine at codon 688 is replaced by proline, an amino acid with similar properties. This amino acid position is conserved. In addition, this alteration is predicted to be deleterious by in silico analysis. Based on the available evidence, the clinical significance of this variant remains unclear.

Labcorp Genetics (formerly Invitae), Labcorp
Classification: Uncertain significance for Baller-Gerold syndrome. Last evaluated: 2022-11-18. Review status: criteria provided, single submitter. Criteria: Invitae Variant Classification Sherloc (09022015). Collection method: clinical testing. Allele origin: germline.
Comment: In summary, the available evidence is currently insufficient to determine the role of this variant in disease. Therefore, it has been classified as a Variant of Uncertain Significance. Advanced modeling of protein sequence and biophysical properties (such as structural, functional, and spatial information, amino acid conservation, physicochemical variation, residue mobility, and thermodynamic stability) performed at Invitae indicates that this missense variant is expected to disrupt RECQL4 protein function. ClinVar contains an entry for this variant (Variation ID: 651434). This variant has not been reported in the literature in individuals affected with RECQL4-related conditions. This variant is not present in population databases (gnomAD no frequency). This sequence change replaces leucine, which is neutral and non-polar, with proline, which is neutral and non-polar, at codon 688 of the RECQL4 protein (p.Leu688Pro).

NM_004260.4(RECQL4):c.2063T>C (p.Leu688Pro)

Gene: RECQL4 (RecQ like helicase 4; minus strand). Cytogenetic location: 8q24.3.
Variant type: single nucleotide variant.
Coding change: c.2063T>C on transcript NM_004260.4 (MANE Select); coding-DNA position 2063, T replaced by C.
Protein change: p.Leu688Pro; replaces leucine 688 with proline.
Molecular consequence: missense variant.
Genome position (GRCh38, 1-based): chr8:144,513,708, A>G on the plus strand (T>C on the coding strand, the complement: RECQL4 is on the minus strand). VCF-style: chr8-144513708-A-G. GRCh37 (hg19) VCF-style: chr8-145739092-A-G.
Other names: short protein forms L688P.
Identifiers: ClinVar variation 651434 (VCV000651434.8), dbSNP rs1315661208, ClinGen allele CA372680101.